The following is an entry in ClinVar:

ClinVar aggregate classification (germline): Uncertain significance (1 of 4 stars; one submission).

Allele frequency attached by ClinVar (database versions not stated): ExAC 0.00001.
gnomAD v4.1: 6 of 1,614,064 alleles (0.00037%); highest among the groups gnomAD compares: African/African-American, 0.0027%; no homozygotes.

Submission:

Labcorp Genetics (formerly Invitae), Labcorp
Classification: Uncertain significance. Last evaluated: 2022-12-30. Review status: criteria provided, single submitter. Criteria: Invitae Variant Classification Sherloc (09022015). Collection method: clinical testing. Allele origin: germline.
Comment: This sequence change replaces serine, which is neutral and polar, with threonine, which is neutral and polar, at codon 276 of the RUSC2 protein (p.Ser276Thr). This variant is not present in population databases (gnomAD no frequency). This variant has not been reported in the literature in individuals affected with RUSC2-related conditions. Algorithms developed to predict the effect of missense changes on protein structure and function (SIFT, PolyPhen-2, Align-GVGD) all suggest that this variant is likely to be disruptive. In summary, the available evidence is currently insufficient to determine the role of this variant in disease. Therefore, it has been classified as a Variant of Uncertain Significance.

NM_014806.5(RUSC2):c.827G>C (p.Ser276Thr)

Gene: RUSC2 (RUN and SH3 domain containing 2; plus strand). Cytogenetic location: 9p13.3.
Variant type: single nucleotide variant.
Coding change: c.827G>C on transcript NM_014806.5 (MANE Select); coding-DNA position 827, G replaced by C.
Protein change: p.Ser276Thr; replaces serine 276 with threonine.
Molecular consequence: missense variant. On other transcripts: non-coding transcript variant (1), intron variant (1).
Genome position (GRCh38, 1-based): chr9:35,547,348, G>C. VCF-style: chr9-35547348-G-C. GRCh37 (hg19) VCF-style: chr9-35547345-G-C.
Other names: c.827G>C, p.Ser276Thr (NM_001135999.2); c.-620-7712G>C (NM_001330740.2); short protein forms S276T.
Identifiers: ClinVar variation 1907129 (VCV001907129.5), dbSNP rs759165903, ClinGen allele CA5043539.